The following is an entry in ClinVar:

ClinVar aggregate classification (germline): Uncertain significance (1 of 4 stars; one submission).

Allele frequency attached by ClinVar (database versions not stated): ExAC 0.00001; gnomAD 0.00001; TOPMed 0.00003.
gnomAD v4.1: 2 of 1,613,428 alleles (0.00012%); highest among the groups gnomAD compares: African/African-American, 0.0027%; no homozygotes.

Submission:

Labcorp Genetics (formerly Invitae), Labcorp
Classification: Uncertain significance. Last evaluated: 2022-04-28. Review status: criteria provided, single submitter. Criteria: Invitae Variant Classification Sherloc (09022015). Collection method: clinical testing. Allele origin: germline.
Comment: This sequence change replaces glutamic acid, which is acidic and polar, with aspartic acid, which is acidic and polar, at codon 443 of the ALPK3 protein (p.Glu443Asp). Algorithms developed to predict the effect of missense changes on protein structure and function output the following: SIFT: "Tolerated"; PolyPhen-2: "Benign"; Align-GVGD: "Class C0". The aspartic acid amino acid residue is found in multiple mammalian species, which suggests that this missense change does not adversely affect protein function. This variant has not been reported in the literature in individuals affected with ALPK3-related conditions. The frequency data for this variant in the population databases is considered unreliable, as metrics indicate poor data quality at this position in the gnomAD database. In summary, the available evidence is currently insufficient to determine the role of this variant in disease. Therefore, it has been classified as a Variant of Uncertain Significance.

NM_020778.5(ALPK3):c.723G>T (p.Glu241Asp)

Gene: ALPK3 (alpha kinase 3; plus strand). Cytogenetic location: 15q25.3.
Variant type: single nucleotide variant.
Coding change: c.723G>T on transcript NM_020778.5 (MANE Select); coding-DNA position 723, G replaced by T.
Protein change: p.Glu241Asp; replaces glutamic acid 241 with aspartic acid.
Molecular consequence: missense variant.
Genome position (GRCh38, 1-based): chr15:84,840,002, G>T. VCF-style: chr15-84840002-G-T. GRCh37 (hg19) VCF-style: chr15-85383233-G-T.
Other names: short protein forms E241D.
Identifiers: ClinVar variation 2183662 (VCV002183662.4), dbSNP rs753596148, ClinGen allele CA7709060.
Genomic context (GRCh38, chr15:84,840,002, plus strand): 5'-CCAGCGAAAGCGGCGATTGAGCGGGGCTCAAGCGCCGGGCCCCTCGGTCCCTACCAGGGA[G>T]CCTGAGGGTGGGACCCTGGCGGCTTGGCAGGAGGGAGAGACTGAGACTGCTCAGCACTCA-3'
Protein context (NP_065829.4, residues 231-251): QAPGPSVPTR[Glu241Asp]PEGGTLAAWQ